The following is an entry in ClinVar:

NM_001111125.3(IQSEC2):c.1145G>C (p.Arg382Pro)

Gene: IQSEC2 (IQ motif and Sec7 domain ArfGEF 2; minus strand). Cytogenetic location: Xp11.22.
Variant type: single nucleotide variant.
Coding change: c.1145G>C on transcript NM_001111125.3 (MANE Select); coding-DNA position 1145, G replaced by C.
Protein change: p.Arg382Pro; replaces arginine 382 with proline.
Molecular consequence: missense variant.
Genome position (GRCh38, 1-based): chrX:53,254,786, C>G on the plus strand (G>C on the coding strand, the complement: IQSEC2 is on the minus strand). VCF-style: chrX-53254786-C-G. GRCh37 (hg19) VCF-style: chrX-53283968-C-G.
Other names: c.1145G>C, p.Arg382Pro (NM_001410736.1, NM_001441092.1); c.647G>C, p.Arg216Pro (NM_001441093.1); c.434G>C, p.Arg145Pro (NM_001441094.1, NM_001441095.1); c.530G>C, p.Arg177Pro (NM_015075.2); short protein forms R145P, R177P, R216P, R382P.
Identifiers: ClinVar variation 4685030 (VCV004685030.1).

ClinVar aggregate classification (germline): Uncertain significance (1 of 4 stars; one submission).

Submission:

GeneDx
Classification: Uncertain significance. Last evaluated: 2025-07-10. Review status: criteria provided, single submitter. Criteria: GeneDx Variant Classification Process June 2021. Collection method: clinical testing. Allele origin: germline. Affected: yes.
Comment: Not observed at significant frequency in large population cohorts (gnomAD); In silico analysis supports that this missense variant has a deleterious effect on protein structure/function; Has not been previously published as pathogenic or benign to our knowledge